The following is an entry in ClinVar:

ClinVar aggregate classification (germline): Benign. Review status: criteria provided, single submitter (1 of 4 stars). 2 submissions from 2 submitters: Benign (1). 1 of the submissions does not count toward it. Last evaluated 2026-02-02.

Conditions:
RORB-related disorder. Also called: RORB-related condition.

Allele frequency attached by ClinVar (database versions not stated): gnomAD 0.00024 and 0.00035; TOPMed 0.00033; gnomAD exomes 0.00071; ExAC 0.00072; 1000 Genomes Project 30x 0.00250; 1000 Genomes Project 0.00280.
gnomAD v4.1: 290 of 1,614,200 alleles (0.018%); highest among the groups gnomAD compares: East Asian, 0.57%; 2 homozygotes.

Submissions (2):

Labcorp Genetics (formerly Invitae), Labcorp
Classification: Benign. Last evaluated: 2026-02-02. Review status: criteria provided, single submitter. Criteria: Invitae Variant Classification Sherloc (09022015). Collection method: clinical testing. Allele origin: germline.

PreventionGenetics, part of Exact Sciences
Classification: Benign for RORB-related condition. Last evaluated: 2019-08-12. Review status: no assertion criteria provided. Collection method: clinical testing. Allele origin: germline. Not counted in ClinVar's aggregate classification.
Comment: This variant is classified as benign based on ACMG/AMP sequence variant interpretation guidelines (Richards et al. 2015 PMID: 25741868, with internal and published modifications).

NM_006914.4(RORB):c.471C>T (p.Asn157=)

Gene: RORB (RAR related orphan receptor B; plus strand). Cytogenetic location: 9q21.13.
Variant type: single nucleotide variant.
Coding change: c.471C>T on transcript NM_006914.4 (MANE Select); coding-DNA position 471, C replaced by T.
Protein change: p.Asn157=; no amino-acid change (asparagine 157 retained).
Molecular consequence: synonymous variant.
Genome position (GRCh38, 1-based): chr9:74,642,649, C>T. VCF-style: chr9-74642649-C-T. GRCh37 (hg19) VCF-style: chr9-77257565-C-T.
Other names: c.504C>T, p.Asn168= (NM_001365023.1); c.471C>T (NM_006914.3).
Identifiers: ClinVar variation 1547289 (VCV001547289.10), dbSNP rs138081728, ClinGen allele CA5083374.
Genomic context (GRCh38, chr9:74,642,649, plus strand): 5'-CAGCGGCACTTATGCCAACGGGCACGTCATTGACCTGCCCAAGTCTGAGGGTTATTACAA[C>T]GTCGATTCCGGTCAGCCGTCCCCTGATCAGTCAGGACTTGACATGACTGGAATCAAACAG-3'
Protein context (NP_008845.2, residues 147-167): IDLPKSEGYY[Asn157=]VDSGQPSPDQ